The following is an entry in ClinVar:

ClinVar aggregate classification (germline): Uncertain significance (1 of 4 stars; one submission).

Allele frequency attached by ClinVar (database versions not stated): gnomAD exomes below 0.00001; TOPMed below 0.00001.

Submission:

GeneDx
Classification: Uncertain significance. Last evaluated: 2022-02-09. Review status: criteria provided, single submitter. Criteria: GeneDx Variant Classification Process June 2021. Collection method: clinical testing. Allele origin: germline. Affected: yes.
Comment: Not observed at significant frequency in large population cohorts (gnomAD); Frameshift variant predicted to result in the last 10 amino acids being replaced with 25 different amino acids, although loss-of-function variants have not been reported downstream of this position in the protein; Has not been previously published as pathogenic or benign to our knowledge

NM_015355.4(SUZ12):c.2184_2185del (p.Val730fs)

Gene: SUZ12 (SUZ12 polycomb repressive complex 2 subunit; plus strand). Cytogenetic location: 17q11.2.
Variant type: Deletion.
Coding change: c.2184_2185del on transcript NM_015355.4 (MANE Select); coding-DNA positions 2184 to 2185, 2 bases deleted (AG; older notation c.2184_2185delAG).
Protein change: p.Val730fs; shifts the reading frame from valine 730.
Molecular consequence: frameshift variant.
Genome position (GRCh38, 1-based): chr17:31,998,967-31,998,968, AG deleted. VCF-style (leftmost placement, unchanged base first): chr17-31998966-CAG-C. GRCh37 (hg19) VCF-style: chr17-30325985-CAG-C.
Other names: c.2115_2116del, p.Val707fs (NM_001321207.2); short protein forms V707fs, V730fs.
Identifiers: ClinVar variation 1342102 (VCV001342102.2), dbSNP rs1910123452, ClinGen allele CA2255917384.